The following is an entry in ClinVar:

ClinVar aggregate classification (germline): Uncertain significance (1 of 4 stars; one submission).

Conditions:
Duchenne muscular dystrophy (DMD). Also called: MUSCULAR DYSTROPHY, PSEUDOHYPERTROPHIC PROGRESSIVE, DUCHENNE TYPE; Duchenne Muscular Dystrophy (DMD). Identifiers: Orphanet 98896, MedGen C0013264, MONDO:0010679, OMIM 310200.

Submission:

Labcorp Genetics (formerly Invitae), Labcorp
Classification: Uncertain significance for Duchenne muscular dystrophy. Last evaluated: 2022-06-27. Review status: criteria provided, single submitter. Criteria: Invitae Variant Classification Sherloc (09022015). Collection method: clinical testing. Allele origin: germline.
Comment: In summary, the available evidence is currently insufficient to determine the role of this variant in disease. Therefore, it has been classified as a Variant of Uncertain Significance. Algorithms developed to predict the effect of sequence changes on RNA splicing suggest that this variant may disrupt the consensus splice site. Algorithms developed to predict the effect of missense changes on protein structure and function (SIFT, PolyPhen-2, Align-GVGD) all suggest that this variant is likely to be tolerated. This variant has not been reported in the literature in individuals affected with DMD-related conditions. This variant is not present in population databases (gnomAD no frequency). This sequence change replaces methionine, which is neutral and non-polar, with isoleucine, which is neutral and non-polar, at codon 1427 of the DMD protein (p.Met1427Ile).

NM_004006.3(DMD):c.4281G>A (p.Met1427Ile)

Gene: DMD (dystrophin; minus strand). Cytogenetic location: Xp21.1.
Variant type: single nucleotide variant.
Coding change: c.4281G>A on transcript NM_004006.3 (MANE Select); coding-DNA position 4281, G replaced by A.
Protein change: p.Met1427Ile; replaces methionine 1427 with isoleucine.
Molecular consequence: missense variant.
Genome position (GRCh38, 1-based): chrX:32,390,134, C>T on the plus strand (G>A on the coding strand, the complement: DMD is on the minus strand). VCF-style: chrX-32390134-C-T. GRCh37 (hg19) VCF-style: chrX-32408251-C-T.
Other names: c.4257G>A, p.Met1419Ile (NM_000109.4); c.4269G>A, p.Met1423Ile (NM_004009.3); c.3912G>A, p.Met1304Ile (NM_004010.3); c.258G>A, p.Met86Ile (NM_004011.4); c.249G>A, p.Met83Ile (NM_004012.4); short protein forms M1423I, M83I, M1304I, M1419I, M1427I, M86I.
Identifiers: ClinVar variation 2055163 (VCV002055163.4), dbSNP rs2523134612, ClinGen allele CA412664095.
Genomic context (GRCh38, chrX:32,390,134, plus strand): 5'-TGCAACATCAATCTGAGACAGGACTCTTTGGGCAGCCTCCTTCCCCTGATTATGTTTCTT[C>T]ATTTCTTCTAAACTGATCTCATGACTTGTCAAATCAGATTGGATTTTCTGTTGGGAGGAT-3'
Protein context (NP_003997.2, residues 1417-1437): LTSHEISLEE[Met1427Ile]KKHNQGKEAA